The following is an entry in ClinVar:

NM_003803.4(MYOM1):c.4915G>A (p.Ala1639Thr)

Gene: MYOM1 (myomesin 1; minus strand). Cytogenetic location: 18p11.31.
Variant type: single nucleotide variant.
Coding change: c.4915G>A on transcript NM_003803.4 (MANE Select); coding-DNA position 4915, G replaced by A.
Protein change: p.Ala1639Thr; replaces alanine 1639 with threonine.
Molecular consequence: missense variant.
Genome position (GRCh38, 1-based): chr18:3,067,405, C>T on the plus strand (G>A on the coding strand, the complement: MYOM1 is on the minus strand). VCF-style: chr18-3067405-C-T. GRCh37 (hg19) VCF-style: chr18-3067403-C-T.
Other names: c.4627G>A, p.Ala1543Thr (NM_019856.2); short protein forms A1639T, A1543T.
Identifiers: ClinVar variation 2448903 (VCV002448903.4), dbSNP rs947981544, ClinGen allele CA295530256.

ClinVar aggregate classification (germline): Uncertain significance. Review status: criteria provided, multiple submitters, no conflicts (2 of 4 stars). 2 submissions from 2 submitters: Uncertain significance (2). Last evaluated 2026-01-02.

Conditions:
Hypertrophic cardiomyopathy. Also called: HYPERTROPHIC MYOCARDIOPATHY. Identifiers: Orphanet 217569, MedGen C0007194, MeSH D002312, MONDO:0005045, HP:0001639.

Allele frequency attached by ClinVar (database versions not stated): gnomAD 0.00001; gnomAD exomes 0.00001; TOPMed 0.00001.
gnomAD v4.1: 11 of 1,613,336 alleles (0.00068%); highest among the groups gnomAD compares: African/African-American, 0.0013%; no homozygotes.

Submissions (2):

Labcorp Genetics (formerly Invitae), Labcorp
Classification: Uncertain significance for Hypertrophic cardiomyopathy. Last evaluated: 2026-01-02. Review status: criteria provided, single submitter. Criteria: Invitae Variant Classification Sherloc (09022015). Collection method: clinical testing. Allele origin: germline.
Comment: This sequence change replaces alanine, which is neutral and non-polar, with threonine, which is neutral and polar, at codon 1639 of the MYOM1 protein (p.Ala1639Thr). This variant is not present in population databases (gnomAD no frequency). This variant has not been reported in the literature in individuals affected with MYOM1-related conditions. ClinVar contains an entry for this variant (Variation ID: 2448903). Invitae Evidence Modeling of protein sequence and biophysical properties (such as structural, functional, and spatial information, amino acid conservation, physicochemical variation, residue mobility, and thermodynamic stability) indicates that this missense variant is not expected to disrupt MYOM1 protein function with a negative predictive value of 80%. In summary, the available evidence is currently insufficient to determine the role of this variant in disease. Therefore, it has been classified as a Variant of Uncertain Significance.

Ambry Genetics
Classification: Uncertain significance. Last evaluated: 2025-05-18. Review status: criteria provided, single submitter. Criteria: Ambry Variant Classification Scheme 2023. Collection method: clinical testing. Allele origin: germline.
Comment: The p.A1639T variant (also known as c.4915G>A), located in coding exon 37 of the MYOM1 gene, results from a G to A substitution at nucleotide position 4915. The alanine at codon 1639 is replaced by threonine, an amino acid with similar properties. This amino acid position is conserved. In addition, this alteration is predicted to be tolerated by in silico analysis. Since supporting evidence is limited at this time, the clinical significance of this alteration remains unclear.